The following is an entry in ClinVar:

ClinVar aggregate classification (germline): Pathogenic (1 of 4 stars; one submission).

Conditions:
Bloom syndrome (BLM). Also called: Bloom-Torre-Machacek syndrome. Identifiers: Orphanet 125, MedGen C0005859, MONDO:0008876, OMIM 210900.

Submission:

Labcorp Genetics (formerly Invitae), Labcorp
Classification: Pathogenic for Bloom syndrome. Last evaluated: 2021-09-15. Review status: criteria provided, single submitter. Criteria: Invitae Variant Classification Sherloc (09022015). Collection method: clinical testing. Allele origin: germline.
Comment: For these reasons, this variant has been classified as Pathogenic. This variant has not been reported in the literature in individuals affected with BLM-related conditions. This variant is not present in population databases (ExAC no frequency). This sequence change creates a premature translational stop signal (p.Lys130Asnfs*10) in the BLM gene. It is expected to result in an absent or disrupted protein product. Loss-of-function variants in BLM are known to be pathogenic (PMID: 17407155).

Literature cited by the submitters: PubMed 17407155.

NM_000057.4(BLM):c.390del (p.Lys130fs)

Gene: BLM (BLM RecQ like helicase; plus strand). Cytogenetic location: 15q26.1.
Variant type: Deletion.
Coding change: c.390del on transcript NM_000057.4 (MANE Select); coding-DNA position 390, one base deleted (A; older notation c.390delA).
Protein change: p.Lys130fs; shifts the reading frame from lysine 130.
Molecular consequence: frameshift variant. On other transcripts: 5 prime UTR variant (1).
Genome position (GRCh38, 1-based): chr15:90,749,658, A deleted; the last of 3 consecutive A bases (chr15:90,749,656-90,749,658); deleting any one gives the same sequence. VCF-style (leftmost placement, unchanged base first): chr15-90749655-GA-G. GRCh37 (hg19) VCF-style: chr15-91292885-GA-G.
Other names: c.390del, p.Lys130fs (NM_001287246.2, NM_001287247.2); c.-902del (NM_001287248.2); short protein forms K130fs.
Identifiers: ClinVar variation 1382381 (VCV001382381.6), dbSNP rs2151147261, ClinGen allele CA2573151396.